The following is an entry in ClinVar:

NM_000051.4(ATM):c.496+286A>G

Gene: ATM (ATM serine/threonine kinase; plus strand). Cytogenetic location: 11q22.3.
Variant type: single nucleotide variant.
Coding change: c.496+286A>G on transcript NM_000051.4 (MANE Select); 286 bases into the intron after coding-DNA position 496, A replaced by G.
Molecular consequence: intron variant.
Genome position (GRCh38, 1-based): chr11:108,236,120, A>G. VCF-style: chr11-108236120-A-G. GRCh37 (hg19) VCF-style: chr11-108106847-A-G.
Other names: c.496+286A>G (NM_001351834.2).
Identifiers: ClinVar variation 1744407 (VCV001744407.4), dbSNP rs2497030890, ClinGen allele CA2580083073.

ClinVar aggregate classification (germline): Likely pathogenic (1 of 4 stars; one submission).

Conditions:
Hereditary cancer-predisposing syndrome. Also called: Hereditary Cancer Syndrome; Neoplastic Syndromes, Hereditary; Tumor predisposition; Hereditary neoplastic syndrome. Identifiers: Orphanet 140162, MedGen C0027672, MeSH D009386, MONDO:0015356.

Submission:

Ambry Genetics
Classification: Likely pathogenic for Hereditary cancer-predisposing syndrome. Last evaluated: 2025-05-02. Review status: criteria provided, single submitter. Criteria: Ambry Variant Classification Scheme 2023. Collection method: clinical testing. Allele origin: germline.
Comment: The c.496+286A>G intronic variant results from an A to G substitution 286 nucleotides after coding exon 4 in the ATM gene. This nucleotide position is well conserved in available vertebrate species. In silico splice site analysis predicts that this alteration will result in the creation or strengthening of a novel splice donor site. RNA studies have demonstrated that this alteration results in abnormal splicing in the set of samples tested (Ambry internal data). This variant is considered to be rare based on population cohorts in the Genome Aggregation Database (gnomAD). Based on the majority of available evidence to date, this variant is likely to be pathogenic.